The following is an entry in ClinVar:

ClinVar aggregate classification (germline): Uncertain significance (1 of 4 stars; one submission).

Conditions:
Deficiency of adenosine deaminase 2. Also called: Polyarteritis nodosa, childhoood-onset; Adenosine Deaminase 2 Deficiency; VASCULITIS, AUTOINFLAMMATION, IMMUNODEFICIENCY, AND HEMATOLOGIC DEFECTS SYNDROME. Identifiers: Orphanet 404553, MedGen C3887654, MONDO:0014306, OMIM 615688, MONDO:0100317.

Submission:

Labcorp Genetics (formerly Invitae), Labcorp
Classification: Uncertain significance for Deficiency of adenosine deaminase 2. Last evaluated: 2022-05-07. Review status: criteria provided, single submitter. Criteria: Invitae Variant Classification Sherloc (09022015). Collection method: clinical testing. Allele origin: germline.
Comment: In summary, the available evidence is currently insufficient to determine the role of this variant in disease. Therefore, it has been classified as a Variant of Uncertain Significance. Algorithms developed to predict the effect of missense changes on protein structure and function are either unavailable or do not agree on the potential impact of this missense change (SIFT: "Tolerated"; PolyPhen-2: "Probably Damaging"; Align-GVGD: "Class C0"). This variant has not been reported in the literature in individuals affected with ADA2-related conditions. This variant is not present in population databases (gnomAD no frequency). This sequence change replaces histidine, which is basic and polar, with aspartic acid, which is acidic and polar, at codon 85 of the ADA2 protein (p.His85Asp).

NM_001282225.2(ADA2):c.253C>G (p.His85Asp)

Gene: ADA2 (adenosine deaminase 2; minus strand). Cytogenetic location: 22q11.1.
Variant type: single nucleotide variant.
Coding change: c.253C>G on transcript NM_001282225.2 (MANE Select); coding-DNA position 253, C replaced by G.
Protein change: p.His85Asp; replaces histidine 85 with aspartic acid.
Molecular consequence: missense variant. On other transcripts: intron variant (1).
Genome position (GRCh38, 1-based): chr22:17,209,425, G>C on the plus strand (C>G on the coding strand, the complement: ADA2 is on the minus strand). VCF-style: chr22-17209425-G-C. GRCh37 (hg19) VCF-style: chr22-17690315-G-C.
Other names: c.253C>G, p.His85Asp (NM_001282226.2); c.127C>G, p.His43Asp (NM_001282227.2, NM_001282228.2); c.-38-2135C>G (NM_001282229.2); short protein forms H85D, H43D.
Identifiers: ClinVar variation 2135179 (VCV002135179.4), dbSNP rs1462710423, ClinGen allele CA410230339.
Genomic context (GRCh38, chr22:17,209,425, plus strand): 5'-TCATCCTTAGAATATTAAACACTTGACTTCTCTCAATGAGATGCTTGGCCTGGAAAAAGT[G>C]CATGCTGGGTGGGAATATCAGGGTCCTCATGGCCTCCTTCATCTCAGCGATTTTGAGCGT-3'
Protein context (NP_001269154.1, residues 75-95): MRTLIFPPSM[His85Asp]FFQAKHLIER